The following is an entry in ClinVar:

NM_000179.3(MSH6):c.3553T>G (p.Ser1185Ala)

Gene: MSH6 (mutS homolog 6; plus strand). Cytogenetic location: 2p16.3.
Variant type: single nucleotide variant.
Coding change: c.3553T>G on transcript NM_000179.3 (MANE Select); coding-DNA position 3553, T replaced by G.
Protein change: p.Ser1185Ala; replaces serine 1185 with alanine.
Molecular consequence: missense variant.
Genome position (GRCh38, 1-based): chr2:47,805,024, T>G. VCF-style: chr2-47805024-T-G. GRCh37 (hg19) VCF-style: chr2-48032163-T-G.
Other names: c.3163T>G, p.Ser1055Ala (NM_001281492.2); c.2647T>G, p.Ser883Ala (NM_001281493.2, NM_001281494.2); short protein forms S1185A, S1055A, S883A.
Identifiers: ClinVar variation 186209 (VCV000186209.23), dbSNP rs786202777, ClinGen allele CA013340.
Genomic context (GRCh38, chr2:47,805,024, plus strand): 5'-TGCAGGCTCACACCAATTGATAGAGTGTTTACTAGACTTGGTGCCTCAGACAGAATAATG[T>G]CAGGTGAGTTTTTTGTTTCCCACTTAAGTTCTCATTCAGTCATTTAGATGTGATAAAAGA-3'
Protein context (NP_000170.1, residues 1175-1195): TRLGASDRIM[Ser1185Ala]GESTFFVELS

ClinVar aggregate classification (germline): Uncertain significance. Review status: criteria provided, multiple submitters, no conflicts (2 of 4 stars). 7 submissions from 7 submitters: Uncertain significance (6). 1 of the submissions does not count toward it. Last evaluated 2025-03-16.

Conditions:
MSH6-related disorder. Also called: MSH6-related condition; MSH6-Related disorders.
Hereditary nonpolyposis colorectal neoplasms. Identifiers: MedGen C0009405, MeSH D003123.
Hereditary cancer-predisposing syndrome. Also called: Neoplastic Syndromes, Hereditary; Tumor predisposition; Hereditary Cancer Syndrome; Hereditary neoplastic syndrome. Identifiers: Orphanet 140162, MedGen C0027672, MeSH D009386, MONDO:0015356.
Lynch syndrome. Identifiers: Orphanet 144, MedGen C4552100, MONDO:0005835. Disease mechanism: loss of function.

Allele frequency attached by ClinVar (database versions not stated): gnomAD exomes below 0.00001.
gnomAD v4.1: 2 of 1,607,796 alleles (0.00012%); highest among the groups gnomAD compares: Non-Finnish European, 0.00017%; no homozygotes.

Submissions (7):

Ambry Genetics
Classification: Uncertain significance for Hereditary cancer-predisposing syndrome. Last evaluated: 2025-03-16. Review status: criteria provided, single submitter. Criteria: Ambry Variant Classification Scheme 2023. Collection method: clinical testing. Allele origin: germline.
Comment: The p.S1185A variant (also known as c.3553T>G), located in coding exon 6 of the MSH6 gene, results from a T to G substitution at nucleotide position 3553. The serine at codon 1185 is replaced by alanine, an amino acid with similar properties. This amino acid position is well conserved in available vertebrate species. In addition, the in silico prediction for this alteration is inconclusive. Since supporting evidence is limited at this time, the clinical significance of this alteration remains unclear.

All of Us Research Program, National Institutes of Health
Classification: Uncertain significance for Lynch syndrome. Last evaluated: 2024-06-09. Review status: criteria provided, single submitter. Criteria: ACMG Guidelines, 2015. Collection method: clinical testing. Allele origin: germline. Inheritance: Autosomal dominant inheritance. Observed: 4 variant alleles, 4 heterozygotes.
Comment: This missense variant replaces serine with alanine at codon 1185 of the MSH6 protein. Computational prediction suggests that this variant may not impact protein structure and function (internally defined REVEL score threshold <= 0.5, PMID: 27666373). To our knowledge, functional studies have not been reported for this variant. This variant has not been reported in individuals affected with MSH6-related disorders in the literature. This variant has not been identified in the general population by the Genome Aggregation Database (gnomAD). The available evidence is insufficient to determine the role of this variant in disease conclusively. Therefore, this variant is classified as a Variant of Uncertain Significance.

This study involves interpretation of variants in research participants for the purpose of population health screening. Participant phenotype was not available at the time of variant classification. Additional details can be found in publication PMID: 35346344, PMCID: PMC8962531

Labcorp Genetics (formerly Invitae), Labcorp
Classification: Uncertain significance for Hereditary nonpolyposis colorectal neoplasms. Last evaluated: 2024-05-27. Review status: criteria provided, single submitter. Criteria: Invitae Variant Classification Sherloc (09022015). Collection method: clinical testing. Allele origin: germline.
Comment: This sequence change replaces serine, which is neutral and polar, with alanine, which is neutral and non-polar, at codon 1185 of the MSH6 protein (p.Ser1185Ala). This variant is not present in population databases (gnomAD no frequency). This variant has not been reported in the literature in individuals affected with MSH6-related conditions. ClinVar contains an entry for this variant (Variation ID: 186209). Advanced modeling of protein sequence and biophysical properties (such as structural, functional, and spatial information, amino acid conservation, physicochemical variation, residue mobility, and thermodynamic stability) performed at Invitae indicates that this missense variant is not expected to disrupt MSH6 protein function with a negative predictive value of 95%. In summary, the available evidence is currently insufficient to determine the role of this variant in disease. Therefore, it has been classified as a Variant of Uncertain Significance.

Color Diagnostics, LLC DBA Color Health
Classification: Uncertain significance for Hereditary cancer-predisposing syndrome. Last evaluated: 2024-03-19. Review status: criteria provided, single submitter. Criteria: ACMG Guidelines, 2015. Collection method: clinical testing. Allele origin: germline.
Comment: This missense variant replaces serine with alanine at codon 1185 of the MSH6 protein. Computational prediction suggests that this variant may not impact protein structure and function. To our knowledge, functional studies have not been reported for this variant. This variant has not been reported in individuals affected with MSH6-related disorders in the literature. This variant has not been identified in the general population by the Genome Aggregation Database (gnomAD). The available evidence is insufficient to determine the role of this variant in disease conclusively. Therefore, this variant is classified as a Variant of Uncertain Significance.

GeneDx
Classification: Uncertain significance. Last evaluated: 2023-12-01. Review status: criteria provided, single submitter. Criteria: GeneDx Variant Classification Process June 2021. Collection method: clinical testing. Allele origin: germline. Affected: yes.
Comment: Not observed at significant frequency in large population cohorts (gnomAD); In silico analysis supports that this missense variant does not alter protein structure/function; Has not been previously published as pathogenic or benign to our knowledge; This variant is associated with the following publications: (PMID: 17531815, 21120944)

Institute for Clinical Genetics, University Hospital TU Dresden, University Hospital TU Dresden
Classification: Uncertain significance. Last evaluated: 2021-11-03. Review status: criteria provided, single submitter. Criteria: ACMG Guidelines, 2015. Collection method: clinical testing. Allele origin: germline.

PreventionGenetics, part of Exact Sciences
Classification: Uncertain significance for MSH6-related condition. Last evaluated: 2024-07-12. Review status: no assertion criteria provided. Collection method: clinical testing. Allele origin: germline. Not counted in ClinVar's aggregate classification.
Comment: The MSH6 c.3553T>G variant is predicted to result in the amino acid substitution p.Ser1185Ala. To our knowledge, this variant has not been reported in the literature or in a large population database, indicating this variant is rare. This variant is interpreted as a variant of uncertain significance in ClinVar. At this time, the clinical significance of this variant is uncertain due to the absence of conclusive functional and genetic evidence.